The following is an entry in ClinVar:

ClinVar aggregate classification (germline): Benign/Likely benign. Review status: criteria provided, multiple submitters, no conflicts (2 of 4 stars). 4 submissions from 4 submitters: Benign (1); Likely benign (3). Last evaluated 2026-08-29.

Conditions:
Hereditary cancer-predisposing syndrome. Also called: Tumor predisposition; Hereditary neoplastic syndrome; Neoplastic Syndromes, Hereditary; Hereditary Cancer Syndrome. Identifiers: Orphanet 140162, MedGen C0027672, MeSH D009386, MONDO:0015356.
Familial cancer of breast. Also called: Hereditary breast cancer; BREAST CANCER, FAMILIAL; hereditary breast carcinoma. Identifiers: Orphanet 227535, MedGen C0346153, MONDO:0016419, OMIM 114480. Disease mechanism: loss of function.
Ataxia-telangiectasia syndrome (AT). Also called: Ataxia-telangiectasia, complementation group D; AT, COMPLEMENTATION GROUP C; ATAXIA-TELANGIECTASIA, COMPLEMENTATION GROUP A; ATAXIA-TELANGIECTASIA, FRESNO VARIANT; Ataxia-telangiectasia; LOUIS-BAR SYNDROME. Identifiers: Orphanet 100, MedGen C0004135, MONDO:0008840, OMIM 208900.

Submissions (4):

Ambry Genetics
Classification: Likely benign for Hereditary cancer-predisposing syndrome. Last evaluated: 2026-08-29. Review status: criteria provided, single submitter. Criteria: Ambry Variant Classification Scheme 2023. Collection method: clinical testing. Allele origin: germline.

Myriad Genetics, Inc.
Classification: Benign for Familial cancer of breast. Last evaluated: 2024-06-20. Review status: criteria provided, single submitter. Criteria: Myriad Autosomal Dominant, Autosomal Recessive and X-Linked Classification Criteria (2023). Collection method: clinical testing. Allele origin: unknown.
Comment: This variant is considered benign. This variant is a silent/synonymous amino acid change and it is not expected to impact splicing.

Labcorp Genetics (formerly Invitae), Labcorp
Classification: Likely benign for Ataxia-telangiectasia syndrome. Last evaluated: 2024-01-06. Review status: criteria provided, single submitter. Criteria: Invitae Variant Classification Sherloc (09022015). Collection method: clinical testing. Allele origin: germline.

Color Diagnostics, LLC DBA Color Health
Classification: Likely benign for Hereditary cancer-predisposing syndrome. Last evaluated: 2018-03-23. Review status: criteria provided, single submitter. Criteria: ACMG Guidelines, 2015. Collection method: clinical testing. Allele origin: germline.

NM_000051.4(ATM):c.8784A>G (p.Arg2928=)

Genes: ATM (ATM serine/threonine kinase; plus strand), C11orf65 (chromosome 11 open reading frame 65; minus strand). Cytogenetic location: 11q22.3.
Variant type: single nucleotide variant.
Coding change: c.8784A>G on transcript NM_000051.4 (MANE Select); coding-DNA position 8784, A replaced by G.
Protein change: p.Arg2928=; no amino-acid change (arginine 2928 retained).
Molecular consequence: synonymous variant. On other transcripts: intron variant (2).
Genome position (GRCh38, 1-based): chr11:108,353,878, A>G. VCF-style: chr11-108353878-A-G. GRCh37 (hg19) VCF-style: chr11-108224605-A-G.
Other names: c.8784A>G, p.Arg2928= (NM_001351834.2); c.640+32042T>C (NM_001330368.2); c.695-18586T>C (NM_001351110.2).
Identifiers: ClinVar variation 628050 (VCV000628050.9), dbSNP rs1565579622, ClinGen allele CA476673999.